The following is an entry in ClinVar:

NM_000297.4(PKD2):c.176T>G (p.Ile59Ser)

Genes: PKD2 (polycystin 2, transient receptor potential cation channel; plus strand), LOC129992813 (ATAC-STARR-seq lymphoblastoid silent region 15559; plus strand). Cytogenetic location: 4q22.1.
Variant type: single nucleotide variant.
Coding change: c.176T>G on transcript NM_000297.4 (MANE Select); coding-DNA position 176, T replaced by G.
Protein change: p.Ile59Ser; replaces isoleucine 59 with serine.
Molecular consequence: missense variant. On other transcripts: non-coding transcript variant (1).
Genome position (GRCh38, 1-based): chr4:88,007,909, T>G. VCF-style: chr4-88007909-T-G. GRCh37 (hg19) VCF-style: chr4-88929061-T-G.
Other names: short protein forms I59S.
Identifiers: ClinVar variation 3625432 (VCV003625432.2).

ClinVar aggregate classification (germline): Uncertain significance (1 of 4 stars; one submission).

Conditions:
Autosomal dominant polycystic kidney disease. Identifiers: Orphanet 730, MedGen C0085413, MONDO:0004691.

Submission:

Labcorp Genetics (formerly Invitae), Labcorp
Classification: Uncertain significance for Autosomal dominant polycystic kidney disease. Last evaluated: 2024-08-11. Review status: criteria provided, single submitter. Criteria: Invitae Variant Classification Sherloc (09022015). Collection method: clinical testing. Allele origin: germline.
Comment: This sequence change replaces isoleucine, which is neutral and non-polar, with serine, which is neutral and polar, at codon 59 of the PKD2 protein (p.Ile59Ser). This variant is not present in population databases (gnomAD no frequency). This variant has not been reported in the literature in individuals affected with PKD2-related conditions. An algorithm developed to predict the effect of missense changes on protein structure and function (PolyPhen-2) suggests that this variant is likely to be disruptive. In summary, the available evidence is currently insufficient to determine the role of this variant in disease. Therefore, it has been classified as a Variant of Uncertain Significance.